The following is an entry in ClinVar:

NM_000088.4(COL1A1):c.3815-3C>G

Gene: COL1A1 (collagen type I alpha 1 chain; minus strand). Cytogenetic location: 17q21.33.
Variant type: single nucleotide variant.
Coding change: c.3815-3C>G on transcript NM_000088.4 (MANE Select); 3 bases into the intron before coding-DNA position 3815, C replaced by G.
Molecular consequence: intron variant.
Genome position (GRCh38, 1-based): chr17:50,186,510, G>C on the plus strand (C>G on the coding strand, the complement: COL1A1 is on the minus strand). VCF-style: chr17-50186510-G-C. GRCh37 (hg19) VCF-style: chr17-48263871-G-C.
Identifiers: ClinVar variation 4710397 (VCV004710397.1).
Genomic context (GRCh38, chr17:50,186,510, plus strand): 5'-CAGAAGACTTTGATGGCATCCAGGTTGCAGCCTTGGTTGGGGTCAATCCAGTACTCTCCT[G>C]TGGTAGGGCAGGGCAAGATGGAGTCAGGGAAAGGGAGCAGCCAGCACCATATGGTAGGGG-3'

ClinVar aggregate classification (germline): Uncertain significance (1 of 4 stars; one submission).

Conditions:
Osteogenesis imperfecta type I (OI1). Also called: OI, TYPE I; OSTEOGENESIS IMPERFECTA TARDA; OSTEOGENESIS IMPERFECTA WITH BLUE SCLERAE; Osteogenesis imperfecta type 1; Classic Non-deforming Osteogenesis Imperfecta with Blue Sclerae; Lobstein's Disease. Identifiers: Orphanet 216796, Orphanet 666, MedGen C0023931, MONDO:0008146, OMIM 166200. Disease mechanism: loss of function.

Submission:

Labcorp Genetics (formerly Invitae), Labcorp
Classification: Uncertain significance for Osteogenesis imperfecta type I. Last evaluated: 2025-12-24. Review status: criteria provided, single submitter. Criteria: Invitae Variant Classification Sherloc (09022015). Collection method: clinical testing. Allele origin: germline.
Comment: This sequence change falls in intron 48 of the COL1A1 gene. It does not directly change the encoded amino acid sequence of the COL1A1 protein. It affects a nucleotide within the consensus splice site. This variant is not present in population databases (gnomAD no frequency). This variant has been observed in individual(s) with osteogenesis imperfecta and/or osteogenesis imperfecta type I (PMID: 25963598; internal data). Variants that disrupt the consensus splice site are a relatively common cause of aberrant splicing (PMID: 17576681, 9536098). Algorithms developed to predict the effect of sequence changes on RNA splicing suggest that this variant may disrupt the consensus splice site. In summary, the available evidence is currently insufficient to determine the role of this variant in disease. Therefore, it has been classified as a Variant of Uncertain Significance.

Literature cited by the submitters: PubMed 25963598; PubMed 17576681; PubMed 9536098.